The following is an entry in ClinVar:

NM_144701.3(IL23R):c.655A>G (p.Ile219Val)

Gene: IL23R (interleukin 23 receptor; plus strand). Cytogenetic location: 1p31.3.
Variant type: single nucleotide variant.
Coding change: c.655A>G on transcript NM_144701.3 (MANE Select); coding-DNA position 655, A replaced by G.
Protein change: p.Ile219Val; replaces isoleucine 219 with valine.
Molecular consequence: missense variant.
Genome position (GRCh38, 1-based): chr1:67,206,912, A>G. VCF-style: chr1-67206912-A-G. GRCh37 (hg19) VCF-style: chr1-67672595-A-G.
Other names: short protein forms I219V.
Identifiers: ClinVar variation 3646048 (VCV003646048.2).
Genomic context (GRCh38, chr1:67,206,912, plus strand): 5'-TTTCTCCCTAGGCAAGTTTTAAACAGCCAGGTCTTTTTTTTTTTTTTTTTTTTTCTAGTG[A>G]TACCTTCTGCAGCCGTCATTTCCAGGGCTGAGACTATAAATGCTACAGTGCCCAAGACCA-3'
Protein context (NP_653302.2, residues 209-229): QLQIHLDDIV[Ile219Val]PSAAVISRAE

ClinVar aggregate classification (germline): Uncertain significance (1 of 4 stars; one submission).

Submission:

Labcorp Genetics (formerly Invitae), Labcorp
Classification: Uncertain significance. Last evaluated: 2024-03-15. Review status: criteria provided, single submitter. Criteria: Invitae Variant Classification Sherloc (09022015). Collection method: clinical testing. Allele origin: germline.
Comment: This sequence change replaces isoleucine, which is neutral and non-polar, with valine, which is neutral and non-polar, at codon 219 of the IL23R protein (p.Ile219Val). This variant is not present in population databases (gnomAD no frequency). This variant has not been reported in the literature in individuals affected with IL23R-related conditions. An algorithm developed to predict the effect of missense changes on protein structure and function (PolyPhen-2) suggests that this variant is likely to be tolerated. In summary, the available evidence is currently insufficient to determine the role of this variant in disease. Therefore, it has been classified as a Variant of Uncertain Significance.